The following is an entry in ClinVar:

ClinVar aggregate classification (germline): Pathogenic. Review status: criteria provided, single submitter (1 of 4 stars). 2 submissions from 2 submitters: Pathogenic (1). 1 of the submissions does not count toward it. Last evaluated 2025-09-03.

Conditions:
Exostoses, multiple, type 1 (EXT1). Also called: Hereditary Multiple Osteochondromatosis, Type I; EXOSTOSES, MULTIPLE, TYPE I. Identifiers: MedGen CN263289, MONDO:0007585, OMIM 133700.

Submissions (2):

Clinical and Functional Genomics Group, A.C.Camargo Cancer Center
Classification: Pathogenic for Exostoses, multiple, type 1. Last evaluated: 2025-09-03. Review status: criteria provided, single submitter. Criteria: CFGG ACC Assertion Criteria V1. Collection method: research. Allele origin: germline. Affected: yes.
Comment: The c.1722+1G>C variant is located at the splice donor site of intron 8. Gene-specific RNA transcript analysis confirmed the complete skipping of exon 8, leading to an in-frame deletion of 30 amino acids (r.1633_1722del; p.Met546_Val575del) within the glycosyl transferase domain (PMID: 37536918). This domain transfers sugars essential for heparan sulfate biosynthesis (Pfam entry: PF09258). This variant has been previously reported in ClinVar (VCV003069172.2) and two other pathogenic variants affecting the same nucleotide position have also been reported (VCV000863192.10, VCV002735199.2), all three identified in patients with multiple exostoses. This variant is absent from gnomAD. Based on the current evidence, this variant has been classified as pathogenic (PVS1_Strong, PS1, PM2_Supporting, PP4).

Regional Center For Medical Genetics Timis, Louis Turcanu Emergency Hospital for Children Timisoara
Classification: Pathogenic for Exostoses, multiple, type 1. Last evaluated: 2024-02-29. Review status: no assertion criteria provided. Collection method: research. Allele origin: unknown. Affected: yes. Observed: 1 heterozygote. Not counted in ClinVar's aggregate classification.
Comment: The splice site variant is not present in the populational databases (gnomAD v4.0.0). SpliceAI estimates that variant could lead to the loss of the canonical donor splice site and the emergence of a new donor site at the intronic level. This event is associated with a frameshift in the biological relevant transcript and loss of function (LOF). Loss of function (LOF) variants in the EXT1 gene are reported in the literature with multiple exostoses disease type 1. At the same genomic position, there is another splice-site variant classified as pathogenic (c.1722+1G>T). The variant c.1722+1G>T has similar SpliceAI predictions to the current variant. The LOVD database reports this variant as likely pathogenic. In summary (PVS1, PM2, PS1_P), the variant was classified as pathogenic, in accordance with ACMG guidelines and subsequent ClinGen recommendations.

Literature cited by the submitters: PubMed 37536918 (cited by Clinical and Functional Genomics Group, A.C.Camargo Cancer Center); PubMed 37352859 (cited by Regional Center For Medical Genetics Timis, Louis Turcanu Emergency Hospital for Children Timisoara).

NM_000127.3(EXT1):c.1722+1G>C

Gene: EXT1 (exostosin glycosyltransferase 1; minus strand). Cytogenetic location: 8q24.11.
Variant type: single nucleotide variant.
Coding change: c.1722+1G>C on transcript NM_000127.3 (MANE Select); the canonical splice donor site of the intron after coding-DNA position 1722, G replaced by C.
Molecular consequence: splice donor variant.
Genome position (GRCh38, 1-based): chr8:117,812,871, C>G on the plus strand (G>C on the coding strand, the complement: EXT1 is on the minus strand). VCF-style: chr8-117812871-C-G. GRCh37 (hg19) VCF-style: chr8-118825110-C-G.
Other names: c.1722+1G>C (NM_000127.2).
Identifiers: ClinVar variation 3069172 (VCV003069172.3), dbSNP rs1823350857, ClinGen allele CA371880785.